The following is an entry in ClinVar:

ClinVar aggregate classification (germline): Pathogenic. Review status: criteria provided, multiple submitters, no conflicts (2 of 4 stars). 34 submissions from 32 submitters: Pathogenic (23). 11 of the submissions do not count toward it. Last evaluated 2026-06-30.

Conditions:
USH1C-related disorder. Also called: USH1C-related condition.
Monogenic hearing loss.
Usher syndrome. Also called: Usher's syndrome; Usher Syndromes. Identifiers: Orphanet 886, MedGen CN469326, MeSH D052245, MONDO:0019501. Disease mechanism: loss of function.
Rare genetic deafness. Identifiers: Orphanet 96210, MedGen C5680250.
Usher syndrome type 1C. Also called: USHER SYNDROME, TYPE I, ACADIAN VARIETY. Identifiers: Orphanet 231169, Orphanet 886, MedGen C1848604, MONDO:0010171, OMIM 276904.
Autosomal recessive nonsyndromic hearing loss 18A. Also called: DEAFNESS, AUTOSOMAL RECESSIVE 18; Deafness, autosomal recessive 18A. Identifiers: Orphanet 90636, MedGen C1865870, MONDO:0011192, OMIM 602092.
Usher syndrome type 1 (USH1). Also called: RETINITIS PIGMENTOSA AND CONGENITAL DEAFNESS. Identifiers: Orphanet 231169, Orphanet 886, MedGen C1568247, MONDO:0010168, OMIM 276900.
Retinitis pigmentosa (RP). Identifiers: Orphanet 791, MedGen C0035334, MeSH D012174, MONDO:0019200, OMIM 268000. Inheritance: Autosomal dominant, autosomal recessive and X linked inheritance.
Hearing loss, autosomal recessive. Also called: Autosomal recessive nonsyndromic deafness; Rare autosomal recessive non-syndromic sensorineural deafness type DFNB; Nonsyndromic Hearing Loss, Recessive; Deafness, autosomal recessive. Identifiers: Orphanet 90635, Orphanet 90636, MedGen C1846647, MONDO:0019588, OMIM 607197.

Submissions 1 to 16 of 34:

Genetics Laboratory, Great Ormond Street Hospital NHS Foundation Trust, North Thames Genomic Laboratory Hub
Classification: Pathogenic for Monogenic hearing loss. Last evaluated: 2026-06-30. Review status: criteria provided, single submitter. Criteria: ACGS Best Practice Guidelines for Variant Classification in Rare Disease 2024 v1.2. Collection method: clinical testing. Allele origin: germline. Affected: yes.
Comment: PS4_moderate, PVS1_very-strong, PM3_strong

Genetics and Genomic Medicine Centre, NeuroGen Healthcare, NeuroGen Healthcare
Classification: Pathogenic for Usher syndrome type 1C. Last evaluated: 2026-01-20. Review status: criteria provided, single submitter. Criteria: ACMG Guidelines, 2015. Collection method: clinical testing. Allele origin: unknown. Affected: yes.

CeGaT Center for Human Genetics Tuebingen
Classification: Pathogenic. Last evaluated: 2025-12-01. Review status: criteria provided, single submitter. Criteria: CeGaT Center For Human Genetics Tuebingen Variant Classification Criteria Version 2. Collection method: clinical testing. Allele origin: germline. Affected: yes. Observed: 1 variant allele.
Comment: USH1C: PVS1, PM2, PM3

Labcorp Genetics (formerly Invitae), Labcorp
Classification: Pathogenic. Last evaluated: 2025-11-22. Review status: criteria provided, single submitter. Criteria: Invitae Variant Classification Sherloc (09022015). Collection method: clinical testing. Allele origin: germline.
Comment: This sequence change creates a premature translational stop signal (p.Arg80Profs*69) in the USH1C gene. It is expected to result in an absent or disrupted protein product. Loss-of-function variants in USH1C are known to be pathogenic (PMID: 10973247, 17407589, 20301442, 21203349). This variant is present in population databases (rs397515359, gnomAD 0.2%). This premature translational stop signal has been observed in individuals with Usher syndrome type I (PMID: 10973248, 12702164, 17407589, 26969326). It has also been observed to segregate with disease in related individuals. ClinVar contains an entry for this variant (Variation ID: 5141). For these reasons, this variant has been classified as Pathogenic.

Natera, Inc.
Classification: Pathogenic for Usher syndrome type 1C. Last evaluated: 2025-09-08. Review status: criteria provided, single submitter. Criteria: Natera Variant Classification Schema (03/2026). Collection method: clinical testing. Allele origin: germline.
Comment: The c.238dupC variant in USH1C is a frameshift variant predicted to shift the reading frame beginning at codon 80 and leads to a stop codon 69 codons downstream. This variant is expected to result in nonsense mediated decay, truncation, or a dysfunctional protein product. This variant is rare in the general population with a frequency below the threshold expected for the associated phenotype(s). This variant has been observed in one or more individuals affected with the associated recessive disease, as either homozygous or compound heterozygous with a second variant (PMID: 17407589). Additionally, this variant has been observed to segregate in affected family members (PMID: 17407589). Given the available evidence, this variant is classified as Pathogenic.

Blueprint Genetics
Classification: Pathogenic for USH1C-related disorders. Last evaluated: 2024-11-13. Review status: criteria provided, single submitter. Criteria: ACMG Guidelines, 2015. Collection method: clinical testing. Allele origin: germline. Affected: yes. Observed: 5 variant alleles.

3billion
Classification: Pathogenic for Usher syndrome type 1C. Last evaluated: 2024-09-25. Review status: criteria provided, single submitter. Criteria: ACMG Guidelines, 2015. Collection method: clinical testing. Allele origin: germline. Affected: yes.
Comment: The variant is observed at an extremely low frequency in the gnomAD v4.0.0 dataset (total allele frequency: 0.031%). Predicted Consequence/Location: Frameshift: predicted to result in a loss or disruption of normal protein function through nonsense-mediated decay (NMD) or protein truncation. Multiple pathogenic variants are reported downstream of the variant. The variant has been reported at least twice as pathogenic with clinical assertions and evidence for the classification (ClinVar ID: VCV000005141 /PMID: 10973248 /3billion dataset). Therefore, this variant is classified as Pathogenic according to the recommendation of ACMG/AMP guideline.

Women's Health and Genetics/Laboratory Corporation of America, LabCorp
Classification: Pathogenic for Usher syndrome. Last evaluated: 2024-09-09. Review status: criteria provided, single submitter. Criteria: LabCorp Variant Classification Summary - May 2015. Collection method: clinical testing. Allele origin: germline.
Comment: Variant summary: USH1C c.238dupC (p.Arg80ProfsX69) results in a premature termination codon, predicted to cause a truncation of the encoded protein or absence of the protein due to nonsense mediated decay, which are commonly known mechanisms for disease. The variant allele was found at a frequency of 0.00028 in 249768 control chromosomes. This frequency is not significantly higher than estimated for a pathogenic variant in USH1C causing Usher Syndrome (0.00028 vs 0.0029), allowing no conclusion about variant significance. c.238dupC has been reported in the literature in the homozygous state in at least 1 individual affected with Usher Syndrome (example, Sloan-Heggen_2016). The following publication has been ascertained in the context of this evaluation (PMID: 26969326). ClinVar contains an entry for this variant (Variation ID: 5141). Based on the evidence outlined above, the variant was classified as pathogenic.

Institute of Medical Genetics and Applied Genomics, University Hospital Tübingen
Classification: Pathogenic for Usher syndrome type 1C. Last evaluated: 2024-08-29. Review status: criteria provided, single submitter. Criteria: ACMG Guidelines, 2015. Collection method: clinical testing. Allele origin: germline. Inheritance: Autosomal recessive inheritance. Affected: yes.

Baylor Genetics
Classification: Pathogenic for Autosomal recessive nonsyndromic hearing loss 18A. Last evaluated: 2024-03-30. Review status: criteria provided, single submitter. Criteria: ACMG Guidelines, 2015. Collection method: clinical testing. Allele origin: unknown.

Fulgent Genetics
Classification: Pathogenic for Usher syndrome type 1C; Autosomal recessive nonsyndromic hearing loss 18A. Last evaluated: 2024-02-29. Review status: criteria provided, single submitter. Criteria: ACMG Guidelines, 2015. Collection method: clinical testing. Allele origin: germline.

SN ONGC Dept of Genetics and Molecular biology Vision Research Foundation
Classification: Pathogenic for Usher syndrome. Last evaluated: 2022-12-31. Review status: criteria provided, single submitter. Criteria: ACMG Guidelines, 2015. Collection method: research. Allele origin: unknown. Affected: yes. Observed: 2 variant alleles, 2 homozygotes.

GeneDx
Classification: Pathogenic. Last evaluated: 2022-10-28. Review status: criteria provided, single submitter. Criteria: GeneDx Variant Classification Process June 2021. Collection method: clinical testing. Allele origin: germline. Affected: yes.
Comment: Frameshift variant predicted to result in protein truncation or nonsense mediated decay in a gene for which loss-of-function is a known mechanism of disease; This variant is associated with the following publications: (PMID: 28041643, 31429209, 10973248, 11139240, 10973247, 22135276, 20301442, 30718709, 31980526, 32581362, 17407589, 12630964, 12702164, 27535533, 21569298, 12107438, 26969326)

Clinical Genetics Laboratory, Skane University Hospital Lund
Classification: Pathogenic. Last evaluated: 2022-07-13. Review status: criteria provided, single submitter. Criteria: ACMG Guidelines, 2015. Collection method: clinical testing. Allele origin: germline. Affected: yes.

Revvity Omics, Revvity
Classification: Pathogenic. Last evaluated: 2022-05-27. Review status: criteria provided, single submitter. Criteria: ACMG Guidelines, 2015. Collection method: clinical testing. Allele origin: germline.

Mayo Clinic Laboratories, Mayo Clinic
Classification: Pathogenic. Last evaluated: 2021-08-03. Review status: criteria provided, single submitter. Criteria: ACMG Guidelines, 2015. Collection method: clinical testing. Allele origin: germline. Observed: 1 variant allele.
Comment: PP1_moderate, PM2_supporting, PM3_very_strong, PVS1

NM_153676.4(USH1C):c.238dup (p.Arg80fs)

Gene: USH1C (USH1 protein network component harmonin; minus strand). Cytogenetic location: 11p15.1.
Variant type: Duplication.
Coding change: c.238dup on transcript NM_153676.4 (MANE Select); coding-DNA position 238, one base duplicated (C; older notation c.238dupC).
Protein change: p.Arg80fs; shifts the reading frame from arginine 80.
Molecular consequence: frameshift variant. On other transcripts: non-coding transcript variant (1).
Genome position (GRCh38, 1-based): chr11:17,531,409, G duplicated on the plus strand (C on the coding strand, the reverse complement: USH1C is on the minus strand); the first of 6 consecutive G bases (chr11:17,531,409-17,531,414); duplicating any one gives the same sequence. VCF-style (leftmost placement, unchanged base first): chr11-17531408-C-CG. GRCh37 (hg19) VCF-style: chr11-17552955-C-CG.
Other names: p.Arg80ProfsX69; p.Arg80Profs*69; c.238dup, p.Arg80fs (NM_001297764.2, NM_005709.4); c.238dupC (NM_005709.4); short protein forms R80fs.
Identifiers: ClinVar variation 5141 (VCV000005141.86), dbSNP rs397515359, ClinGen allele CA340348.
Genomic context (GRCh38, chr11:17,531,408, plus strand): 5'-CCAGGGTGATCTCTCCACCCCCTGCCTCCAGCCTGGTGGCTTCCTCTGCACCTGGAGCGC[C>CG]GGGGGGTCAGCTGATCATATTCCACCTGGTGCTTCAGTGGGATCAGCGGCCGAATGGCAT-3'